The following is an entry in ClinVar:

NM_032242.4(PLXNA1):c.3826C>T (p.Arg1276Cys)

Gene: PLXNA1 (plexin A1; plus strand). Cytogenetic location: 3q21.3.
Variant type: single nucleotide variant.
Coding change: c.3826C>T on transcript NM_032242.4 (MANE Select); coding-DNA position 3826, C replaced by T.
Protein change: p.Arg1276Cys; replaces arginine 1276 with cysteine.
Molecular consequence: missense variant.
Genome position (GRCh38, 1-based): chr3:127,018,459, C>T. VCF-style: chr3-127018459-C-T. GRCh37 (hg19) VCF-style: chr3-126737302-C-T.
Other names: short protein forms R1276C.
Identifiers: ClinVar variation 4978212 (VCV004978212.1).

ClinVar aggregate classification (germline): Uncertain significance (1 of 4 stars; one submission).

Conditions:
PLXNA1-related disorder. Also called: PLXNA1-related condition.

gnomAD v4.1: 12 of 1,612,918 alleles (0.00074%); highest among the groups gnomAD compares: Admixed American, 0.0017%; no homozygotes.

Submission:

PreventionGenetics, part of Exact Sciences
Classification: Uncertain significance for PLXNA1-related condition. Last evaluated: 2026-07-30. Review status: criteria provided, single submitter. Criteria: ACMG Guidelines, 2015. Collection method: clinical testing. Allele origin: germline.
Comment: The PLXNA1 c.3826C>T variant is predicted to result in the amino acid substitution p.Arg1276Cys. To our knowledge, this variant has not been reported in the literature. This variant is reported in 0.0054% of alleles in individuals of East Asian descent in gnomAD. At this time, the clinical significance of this variant is uncertain due to the absence of conclusive functional and genetic evidence.